The following is an entry in ClinVar:

ClinVar aggregate classification (germline): Uncertain significance. Review status: criteria provided, multiple submitters, no conflicts (2 of 4 stars). 3 submissions from 3 submitters: Uncertain significance (3). Last evaluated 2025-10-02.

Conditions:
Inborn genetic diseases. Identifiers: MedGen C0950123, MeSH D030342.
Primary ciliary dyskinesia. Also called: Ciliary dyskinesia. Identifiers: Orphanet 244, MedGen C0008780, MONDO:0016575, HP:0012265.

Allele frequency attached by ClinVar (database versions not stated): gnomAD exomes 0.00001; ExAC 0.00002; gnomAD 0.00004; TOPMed 0.00005; 1000 Genomes Project 0.00020; 1000 Genomes Project 30x 0.00031.
gnomAD v4.1: 20 of 1,612,940 alleles (0.0012%); highest among the groups gnomAD compares: Admixed American, 0.032%; no homozygotes.

Submissions (3):

Labcorp Genetics (formerly Invitae), Labcorp
Classification: Uncertain significance for Primary ciliary dyskinesia. Last evaluated: 2025-10-02. Review status: criteria provided, single submitter. Criteria: Invitae Variant Classification Sherloc (09022015). Collection method: clinical testing. Allele origin: germline.
Comment: This sequence change replaces serine, which is neutral and polar, with arginine, which is basic and polar, at codon 79 of the DRC1 protein (p.Ser79Arg). This variant is present in population databases (rs201097702, gnomAD 0.02%). This variant has not been reported in the literature in individuals affected with DRC1-related conditions. ClinVar contains an entry for this variant (Variation ID: 2070266). An algorithm developed to predict the effect of missense changes on protein structure and function (PolyPhen-2) suggests that this variant is likely to be disruptive. In summary, the available evidence is currently insufficient to determine the role of this variant in disease. Therefore, it has been classified as a Variant of Uncertain Significance.

Ambry Genetics
Classification: Uncertain significance for Inborn genetic diseases. Last evaluated: 2023-12-17. Review status: criteria provided, single submitter. Criteria: Ambry Variant Classification Scheme 2023. Collection method: clinical testing. Allele origin: germline.

Blueprint Genetics
Classification: Uncertain significance. Last evaluated: 2020-01-13. Review status: criteria provided, single submitter. Criteria: ACMG Guidelines, 2015. Collection method: clinical testing. Allele origin: germline.

NM_145038.5(DRC1):c.237C>A (p.Ser79Arg)

Gene: DRC1 (dynein regulatory complex subunit 1; plus strand). Cytogenetic location: 2p23.3.
Variant type: single nucleotide variant.
Coding change: c.237C>A on transcript NM_145038.5 (MANE Select); coding-DNA position 237, C replaced by A.
Protein change: p.Ser79Arg; replaces serine 79 with arginine.
Molecular consequence: missense variant.
Genome position (GRCh38, 1-based): chr2:26,414,425, C>A. VCF-style: chr2-26414425-C-A. GRCh37 (hg19) VCF-style: chr2-26637293-C-A.
Other names: c.237C>A (NM_145038.2); short protein forms S79R.
Identifiers: ClinVar variation 2070266 (VCV002070266.5), dbSNP rs201097702, ClinGen allele CA1561803.